The following is an entry in ClinVar:

ClinVar aggregate classification (germline): Benign. Review status: criteria provided, multiple submitters, no conflicts (2 of 4 stars). 2 submissions from 2 submitters: Benign (2). Last evaluated 2018-01-13.

Conditions:
Posterior column ataxia-retinitis pigmentosa syndrome (RETSNS). Also called: RETINOPATHY-SENSORY NEUROPATHY SYNDROME. Identifiers: Orphanet 88628, MedGen C1836916, MONDO:0012177, OMIM 609033.

Allele frequency attached by ClinVar (database versions not stated): gnomAD 0.21766 and 0.22277; 1000 Genomes Project 30x 0.28592; TOPMed 0.24675; 1000 Genomes Project 0.28435.

Submissions (2):

Illumina Laboratory Services, Illumina
Classification: Benign for Posterior column ataxia-retinitis pigmentosa syndrome. Last evaluated: 2018-01-13. Review status: criteria provided, single submitter. Criteria: ICSL Variant Classification Criteria 13 December 2019. Collection method: clinical testing. Allele origin: germline.
Comment: This variant was observed in the ICSL laboratory as part of a predisposition screen in an ostensibly healthy population. It had not been previously curated by ICSL or reported in the Human Gene Mutation Database (HGMD: prior to June 1st, 2018), and was therefore a candidate for classification through an automated scoring system. Utilizing variant allele frequency, disease prevalence and penetrance estimates, and inheritance mode, an automated score was calculated to assess if this variant is too frequent to cause the disease. Based on the score and internal cut-off values, a variant classified as benign is not then subjected to further curation. The score for this variant resulted in a classification of benign for this disease.

Breakthrough Genomics
Classification: Benign. Review status: criteria provided, single submitter. Criteria: ACMG Guidelines, 2015. Collection method: not provided. Allele origin: germline. Inheritance: Autosomal recessive inheritance. Affected: yes.

NM_014053.4(FLVCR1):c.*931C>T

Gene: FLVCR1 (FLVCR choline and heme transporter 1; plus strand). Cytogenetic location: 1q32.3.
Variant type: single nucleotide variant.
Coding change: c.*931C>T on transcript NM_014053.4 (MANE Select); 931 bases downstream of the stop codon, C replaced by T.
Molecular consequence: 3 prime UTR variant.
Genome position (GRCh38, 1-based): chr1:212,896,221, C>T. VCF-style: chr1-212896221-C-T. GRCh37 (hg19) VCF-style: chr1-213069563-C-T.
Identifiers: ClinVar variation 295350 (VCV000295350.6), dbSNP rs12567713, ClinGen allele CA10608989.